The following is an entry in ClinVar:

NM_002471.4(MYH6):c.4328C>A (p.Ala1443Asp)

Gene: MYH6 (myosin heavy chain 6; minus strand). Cytogenetic location: 14q11.2.
Variant type: single nucleotide variant.
Coding change: c.4328C>A on transcript NM_002471.4 (MANE Select); coding-DNA position 4328, C replaced by A.
Protein change: p.Ala1443Asp; replaces alanine 1443 with aspartic acid.
Molecular consequence: missense variant.
Genome position (GRCh38, 1-based): chr14:23,388,186, G>T on the plus strand (C>A on the coding strand, the complement: MYH6 is on the minus strand). VCF-style: chr14-23388186-G-T. GRCh37 (hg19) VCF-style: chr14-23857395-G-T.
Other names: short protein forms A1443D.
Identifiers: ClinVar variation 164221 (VCV000164221.55), dbSNP rs727503234, ClinGen allele CA176941.
Genomic context (GRCh38, chr14:23,388,186, plus strand): 5'-GCTGGCTGCGGCCCCCGCCCATGGTCCACCTTGTCAAAGTTTCTCTGCTTCTTGTCCAGG[G>T]CTGCAGCAGCAGCATTGGAGCGCTCTACGTCCACCATCAAGTCCTCTATCTCATTCTGTA-3'
Protein context (NP_002462.2, residues 1433-1453): DVERSNAAAA[Ala1443Asp]LDKKQRNFDK

ClinVar aggregate classification (germline): Conflicting classifications of pathogenicity. Review status: criteria provided, conflicting classifications (1 of 4 stars). 18 submissions from 18 submitters: Uncertain significance (13); Likely benign (1). 4 of the submissions do not count toward it. Last evaluated 2026-05-27.

Conditions:
Cardiovascular phenotype. Identifiers: MedGen CN230736.
MYH6-related disorder. Also called: MYH6-Related Disorders; MYH6-related condition.
Dilated cardiomyopathy 1EE (CMD1EE). Identifiers: Orphanet 154, MedGen C2750466, MONDO:0013198, OMIM 613252.
Hypertrophic cardiomyopathy 14. Identifiers: MedGen C2750467, MONDO:0013197, OMIM 613251.
Hypertrophic cardiomyopathy 1 (CMH1). Also called: Familial hypertrophic cardiomyopathy 1; MYH7-Related Familial Hypertrophic Cardiomyopathy. Identifiers: MedGen C3495498, MONDO:0008647, OMIM 192600.
Atrial septal defect 3 (ASD3). Identifiers: Orphanet 1478, MedGen C3279790, MONDO:0013567, OMIM 614089.
Sick sinus syndrome 3, susceptibility to (SSS3). Identifiers: Orphanet 166282, MedGen C3279791, MONDO:0013568, OMIM 614090.
Primary familial hypertrophic cardiomyopathy (HCM). Identifiers: Orphanet 99739, MedGen C0949658, MeSH D024741, MONDO:0024573. Inheritance: Various modes of inheritance.
Hypertrophic cardiomyopathy. Also called: HYPERTROPHIC MYOCARDIOPATHY. Identifiers: Orphanet 217569, MedGen C0007194, MeSH D002312, MONDO:0005045, HP:0001639.

Allele frequency attached by ClinVar (database versions not stated): ExAC 0.00007; gnomAD exomes 0.00008; TOPMed 0.00013; gnomAD 0.00017 and 0.00019.
gnomAD v4.1: 327 of 1,612,202 alleles (0.02%); highest among the groups gnomAD compares: Non-Finnish European, 0.027%; no homozygotes.

Submissions 1 to 8 of 18:

GeneDx
Classification: Uncertain significance. Last evaluated: 2026-05-27. Review status: criteria provided, single submitter. Criteria: GeneDx Variant Classification Process June 2021. Collection method: clinical testing. Allele origin: germline.
Comment: Identified in individuals with various forms of cardiac disease, including congenital heart defects, atrial fibrillation, and cardiomyopathies in published literature (PMID: 24082139, 20656787, 22011241, 25351510, 27789736, 28416588, 31514951, 31737537, 30847666, 31513939, 32880476, 34930662, 35456442); Identified in the compound heterozygous state with a second MYH6 variant in two consecutive pregnancies diagnosed with fetal HLHS (PMID: 36890431); In silico analysis supports that this missense variant has a deleterious effect on protein structure/function; This variant is associated with the following publications: (PMID: 28416588, 20656787, 27789736, 29875424, 31514951, 32880476, 35456442, 31513939, 31737537, 22011241, 34930662, 30847666, 25351510, 36890431, 24082139, 37198425, 39226896, 39596649)

Labcorp Genetics (formerly Invitae), Labcorp
Classification: Uncertain significance for Hypertrophic cardiomyopathy 14. Last evaluated: 2026-01-19. Review status: criteria provided, single submitter. Criteria: Invitae Variant Classification Sherloc (09022015). Collection method: clinical testing. Allele origin: germline.
Comment: This sequence change replaces alanine, which is neutral and non-polar, with aspartic acid, which is acidic and polar, at codon 1443 of the MYH6 protein (p.Ala1443Asp). This variant is present in population databases (rs727503234, gnomAD 0.02%). This missense change has been observed in individual(s) with clinical features of MYH6-related conditions (PMID: 20656787, 24082139, 27789736, 28416588, 29875424, 31513939, 31737537, 32880476, 36890431, 39226896, 39596649). ClinVar contains an entry for this variant (Variation ID: 164221). Invitae Evidence Modeling of protein sequence and biophysical properties (such as structural, functional, and spatial information, amino acid conservation, physicochemical variation, residue mobility, and thermodynamic stability) indicates that this missense variant is not expected to disrupt MYH6 protein function with a negative predictive value of 80%. In summary, the available evidence is currently insufficient to determine the role of this variant in disease. Therefore, it has been classified as a Variant of Uncertain Significance.

PreventionGenetics, part of Exact Sciences
Classification: Uncertain significance for MYH6-related condition. Last evaluated: 2025-12-08. Review status: criteria provided, single submitter. Criteria: ACMG Guidelines, 2015. Collection method: clinical testing. Allele origin: germline.
Comment: The MYH6 c.4328C>A variant is predicted to result in the amino acid substitution p.Ala1443Asp. This variant (also referred to as c.4395C>A in the literature) has been reported in individuals with atrial septal defect (Granados-Riveron et al. 2010. PubMed ID: 20656787; Table S2, Bowling et al. 2021. PubMed ID: 34930662), hypoplastic left heart syndrome (Tomita-Mitchell et al. 2016. PubMed ID: 27789736), dilated cardiomyopathy (DCM) (Table S1, Dal Ferro et al. 2017. PubMed ID: 28416588; Table S4, Verdonschot et al. 2020. PubMed ID: 32880476), and hypertrophic cardiomyopathy (HCM) (Tables S3 and S6, Mazzarotto et al. 2018. PubMed ID: 29875424). This variant is reported in 0.019% of alleles in individuals of European (non-Finnish) descent in gnomAD and is interpreted as uncertain in ClinVar. At this time, the clinical significance of this variant is uncertain due to the absence of conclusive functional and genetic evidence.

Ambry Genetics
Classification: Uncertain significance for Cardiovascular phenotype. Last evaluated: 2025-02-06. Review status: criteria provided, single submitter. Criteria: Ambry Variant Classification Scheme 2023. Collection method: clinical testing. Allele origin: germline.
Comment: The p.A1443D variant (also known as c.4328C>A), located in coding exon 28 of the MYH6 gene, results from a C to A substitution at nucleotide position 4328. The alanine at codon 1443 is replaced by aspartic acid, an amino acid with dissimilar properties. This variant was reported in individual(s) with features consistent with congenital heart defects (Granados-Riveron JT et al. Congenit Heart Dis, 2012 Oct;7:151-9; Gonzalez-Garay ML et al. Proc. Natl. Acad. Sci. U.S.A., 2013 Oct;110:16957-62; Tomita-Mitchell A et al. Physiol Genomics, 2016 Dec;48:912-921; Bowling KM et al. Genet Med, 2022 Apr;24:851-861; Zhu W et al. Genes (Basel), 2022 Apr;13:[ePub ahead of print]). This amino acid position is well conserved in available vertebrate species. In addition, this alteration is predicted to be deleterious by in silico analysis. Based on the available evidence, the clinical significance of this variant remains unclear.

Blueprint Genetics
Classification: Likely benign. Last evaluated: 2024-09-11. Review status: criteria provided, single submitter. Criteria: ACMG Guidelines, 2015. Collection method: clinical testing. Allele origin: germline.

Women's Health and Genetics/Laboratory Corporation of America, LabCorp
Classification: Uncertain significance. Last evaluated: 2024-01-30. Review status: criteria provided, single submitter. Criteria: LabCorp Variant Classification Summary - May 2015. Collection method: clinical testing. Allele origin: germline.
Comment: Variant summary: MYH6 c.4328C>A (p.Ala1443Asp) results in a non-conservative amino acid change located in the Myosin tail domain (IPR002928) of the encoded protein sequence. Four of five in-silico tools predict a damaging effect of the variant on protein function. The variant allele was found at a frequency of 8.4e-05 in 251422 control chromosomes (gnomAD). The observed variant frequency is approximately 3 fold of the estimated maximal expected allele frequency for a pathogenic variant in MYH6 causing Cardiomyopathy phenotype (2.5e-05), strongly suggesting that the variant is benign. c.4328C>A has been reported in the literature in individuals affected or suspected with Cardiomyopathy (examples: Gonzalez_2013, Dal ferro_2017, Gigli_2019, Mazzarotto_2019, Marschall_2019, Verdonschot_2020), Congenital heart defects (Granados-Riveron_2010), atrial septal defects (Bowling_2022) and Hypoplastic left heart syndrome (Tomita-Mitchell_2016, Najib_ 2023). These report(s) do not provide unequivocal conclusions about association of the variant with Cardiomyopathy. The following publications have been ascertained in the context of this evaluation (PMID: 34930662, 28416588, 31514951, 24082139, 22011241, 31737537, 29875424, 36890431, 31513939, 27789736, 32880476, 35456442). ClinVar contains an entry for this variant (Variation ID: 164221). Based on the evidence outlined above, the variant was classified as uncertain significance.

Clinical Genomics Laboratory, Stanford Medicine
Classification: Uncertain significance. Last evaluated: 2022-05-02. Review status: criteria provided, single submitter. Criteria: ACMG Guidelines, 2015. Collection method: clinical testing. Allele origin: germline. Observed: 1 variant allele, 1 heterozygote.
Comment: The p.Ala1443Asp variant in the MYH6 gene has been previously reported in individuals with dilated cardiomyopathy (Dal Ferro et al., 2017; Gigli et al., 2019; Marschall et al., 2019; Verdonschot et al., 2020), individuals with hypertrophic cardiomyopathy (Mazzarotto et al., 2019; Robyns et al., 2020), individuals with congenital heart disease (Granados-Riveron et al., 2010; Granados-Riveron et al., 2012; Tomita-Mitchell et al., 2016), and an individual with atrial fibrillation (Gonzalez-Garay et al., 2013). This variant has been identified in 2/7,224 Other chromosomes (26/282,812 chromosomes overall) by the Genome Aggregation Database. Although this variant has been seen in the general population, it has not been observed at a high enough frequency to rule out pathogenicity. The alanine at position 1443 is moderately evolutionarily conserved. Computational tools predict that the p.Ala1443Asp variant is deleterious; however, the accuracy of in silico algorithms is limited. These data were assessed using the ACMG/AMP variant interpretation guidelines. In summary, the significance of the p.Ala1443Asp variant is uncertain. Additional information is needed to resolve the significance of this variant. [ACMG evidence codes used: PP3]

Revvity Omics, Revvity
Classification: Uncertain significance. Last evaluated: 2022-04-07. Review status: criteria provided, single submitter. Criteria: ACMG Guidelines, 2015. Collection method: clinical testing. Allele origin: germline.